The following is an entry in ClinVar:

NM_174936.4(PCSK9):c.529G>T (p.Gly177Cys)

Gene: PCSK9 (proprotein convertase subtilisin/kexin type 9; plus strand). Cytogenetic location: 1p32.3.
Variant type: single nucleotide variant.
Coding change: c.529G>T on transcript NM_174936.4 (MANE Select); coding-DNA position 529, G replaced by T.
Protein change: p.Gly177Cys; replaces glycine 177 with cysteine.
Molecular consequence: missense variant.
Genome position (GRCh38, 1-based): chr1:55,052,283, G>T. VCF-style: chr1-55052283-G-T. GRCh37 (hg19) VCF-style: chr1-55517956-G-T.
Other names: c.652G>T, p.Gly218Cys (NM_001407240.1); c.529G>T, p.Gly177Cys (NM_001407241.1, NM_001407242.1, NM_001407244.1 and 1 more transcripts); c.472G>T, p.Gly158Cys (NM_001407243.1); c.337G>T, p.Gly113Cys (NM_001407245.1); c.154G>T, p.Gly52Cys (NM_001407246.1); short protein forms G177C, G218C, G52C, G113C, G158C.
Identifiers: ClinVar variation 925102 (VCV000925102.7), dbSNP rs778157885, ClinGen allele CA340471143.

ClinVar aggregate classification (germline): Uncertain significance. Review status: criteria provided, multiple submitters, no conflicts (2 of 4 stars). 2 submissions from 2 submitters: Uncertain significance (2). Last evaluated 2024-09-23.

Conditions:
Familial hypercholesterolemia. Also called: Familial hypercholesterolemias; Familial hypercholesterolaemia. Identifiers: MedGen C0020445, MONDO:0005439.
Hypercholesterolemia, autosomal dominant, 3 (FHCL3). Also called: Familial hypercholesterolemia 3; Familial Hypercholesterolemia, Autosomal Dominant, 3; PCSK9-Related Familial Hypercholesterolemia, Autosomal Dominant. Identifiers: MedGen C1863551, MONDO:0011369, OMIM 603776.

Allele frequency attached by ClinVar (database versions not stated): gnomAD exomes below 0.00001; gnomAD 0.00001; TOPMed 0.00001.
gnomAD v4.1: 3 of 1,613,908 alleles (0.00019%); highest among the groups gnomAD compares: African/African-American, 0.004%; no homozygotes.

Submissions (2):

All of Us Research Program, National Institutes of Health
Classification: Uncertain significance for Hypercholesterolemia, autosomal dominant, 3. Last evaluated: 2024-09-23. Review status: criteria provided, single submitter. Criteria: ACMG Guidelines, 2015. Collection method: clinical testing. Allele origin: germline. Inheritance: Autosomal dominant inheritance. Observed: 2 variant alleles, 2 heterozygotes.
Comment: This missense variant replaces glycine with cysteine at codon 177 of the PCSK9 protein. Computational prediction suggests that this variant may not impact protein structure and function (internally defined REVEL score threshold <= 0.5, PMID: 27666373). Splice site prediction tools suggest that this variant may not impact RNA splicing. To our knowledge, functional studies have not been performed for this variant. This variant has not been reported in individuals affected with familial hypercholesterolemia in the literature. This variant has been identified in 1/251384 chromosomes in the general population by the Genome Aggregation Database (gnomAD). The available evidence is insufficient to determine the role of this variant in disease conclusively. Therefore, this variant is classified as a Variant of Uncertain Significance.

This study involves interpretation of variants in research participants for the purpose of population health screening. Participant phenotype was not available at the time of variant classification. Additional details can be found in publication PMID: 35346344, PMCID: PMC8962531

Color Diagnostics, LLC DBA Color Health
Classification: Uncertain significance for Familial hypercholesterolemia. Last evaluated: 2024-03-06. Review status: criteria provided, single submitter. Criteria: ACMG Guidelines, 2015. Collection method: clinical testing. Allele origin: germline.
Comment: This missense variant replaces glycine with cysteine at codon 177 of the PCSK9 protein. Computational prediction suggests that this variant may not impact protein structure and function (internally defined REVEL score threshold <= 0.5, PMID: 27666373). Splice site prediction tools suggest that this variant may not impact RNA splicing. To our knowledge, functional studies have not been performed for this variant. This variant has not been reported in individuals affected with familial hypercholesterolemia in the literature. This variant has been identified in 1/251384 chromosomes in the general population by the Genome Aggregation Database (gnomAD). The available evidence is insufficient to determine the role of this variant in disease conclusively. Therefore, this variant is classified as a Variant of Uncertain Significance.